The following is an entry in ClinVar:

ClinVar aggregate classification (germline): Conflicting classifications of pathogenicity. Review status: criteria provided, conflicting classifications (1 of 4 stars). 3 submissions from 3 submitters: Uncertain significance (1); Likely benign (2). Last evaluated 2024-07-29.

Conditions:
Cardiovascular phenotype. Identifiers: MedGen CN230736.
Cardiomyopathy (CMYO). Also called: Cardiomyopathies. Identifiers: Orphanet 167848, MedGen C0878544, MONDO:0004994, HP:0001638. Inheritance: Various modes of inheritance.
Hypertrophic cardiomyopathy. Also called: HYPERTROPHIC MYOCARDIOPATHY. Identifiers: Orphanet 217569, MedGen C0007194, MeSH D002312, MONDO:0005045, HP:0001639.

gnomAD v4.1: 26 of 1,613,880 alleles (0.0016%); highest among the groups gnomAD compares: Non-Finnish European, 0.0021%; no homozygotes.

Submissions (3):

All of Us Research Program, National Institutes of Health
Classification: Likely benign for Cardiomyopathy. Last evaluated: 2024-07-29. Review status: criteria provided, single submitter. Criteria: ACMG Guidelines, 2015. Collection method: clinical testing. Allele origin: germline. Inheritance: Autosomal dominant inheritance. Observed: 1 variant allele, 1 heterozygote.
Comment: This study involves interpretation of variants in research participants for the purpose of population health screening. Participant phenotype was not available at the time of variant classification. Additional details can be found in publication PMID: 35346344, PMCID: PMC8962531

Labcorp Genetics (formerly Invitae), Labcorp
Classification: Likely benign for Hypertrophic cardiomyopathy. Last evaluated: 2024-02-24. Review status: criteria provided, single submitter. Criteria: Invitae Variant Classification Sherloc (09022015). Collection method: clinical testing. Allele origin: germline.

Ambry Genetics
Classification: Uncertain significance for Cardiovascular phenotype. Last evaluated: 2021-10-01. Review status: criteria provided, single submitter. Criteria: Ambry Variant Classification Scheme 2023. Collection method: clinical testing. Allele origin: germline.
Comment: The c.5458C>A (p.R1820R) alteration is located in exon 37 (coding exon 35) of the MYH7 gene. This alteration consists of a C to A substitution at nucleotide position 5458. This nucleotide substitution does not change the amino acid at codon 1820. However, this change occurs in the last nucleotide of Exon 37 (c.5284_5559) which makes it likely to have some effect on normal mRNA splicing. Based on insufficient or conflicting evidence, the clinical significance of this alteration remains unclear.

NM_000257.4(MYH7):c.5458C>A (p.Arg1820=)

Gene: MYH7 (myosin heavy chain 7; minus strand). Cytogenetic location: 14q11.2.
Variant type: single nucleotide variant.
Coding change: c.5458C>A on transcript NM_000257.4 (MANE Select); coding-DNA position 5458, C replaced by A.
Protein change: p.Arg1820=; no amino-acid change (arginine 1820 retained).
Molecular consequence: synonymous variant.
Genome position (GRCh38, 1-based): chr14:23,415,096, G>T on the plus strand (C>A on the coding strand, the complement: MYH7 is on the minus strand). VCF-style: chr14-23415096-G-T. GRCh37 (hg19) VCF-style: chr14-23884305-G-T.
Identifiers: ClinVar variation 837357 (VCV000837357.12), dbSNP rs145734640, ClinGen allele CA485765981.